The following is an entry in ClinVar:

ClinVar aggregate classification (germline): Pathogenic (1 of 4 stars; one submission).

Submission:

GeneDx
Classification: Pathogenic. Last evaluated: 2018-09-24. Review status: criteria provided, single submitter. Criteria: GeneDx Variant Classification (06012015). Collection method: clinical testing. Allele origin: germline. Affected: yes.
Comment: The Q532X variant in the RELN gene has not been reported previously as a pathogenic variant nor as a benign variant, to our knowledge. This variant is predicted to cause loss of normal protein function either through protein truncation or nonsense-mediated mRNA decay. The Q532X variant is not observed in large population cohorts (Lek et al., 2016; 1000 Genomes Consortium et al., 2015; Exome Variant Server). We interpret Q532X as a pathogenic variant.

NM_005045.4(RELN):c.1594C>T (p.Gln532Ter)

Gene: RELN (reelin; minus strand). Cytogenetic location: 7q22.1.
Variant type: single nucleotide variant.
Coding change: c.1594C>T on transcript NM_005045.4 (MANE Select); coding-DNA position 1594, C replaced by T.
Protein change: p.Gln532Ter; replaces glutamine 532 with a stop codon.
Molecular consequence: nonsense.
Genome position (GRCh38, 1-based): chr7:103,652,720, G>A on the plus strand (C>T on the coding strand, the complement: RELN is on the minus strand). VCF-style: chr7-103652720-G-A. GRCh37 (hg19) VCF-style: chr7-103293167-G-A.
Other names: c.1594C>T, p.Gln532Ter (NM_173054.3); short protein forms Q532*.
Identifiers: ClinVar variation 452214 (VCV000452214.2), dbSNP rs1554397852, ClinGen allele CA368765920.